The following is an entry in ClinVar:

ClinVar aggregate classification (germline): Uncertain significance (1 of 4 stars; one submission).

Conditions:
Immunodeficiency 104. Also called: IMMUNODEFICIENCY 104, SEVERE COMBINED; Severe Combined Immune Deficiency, Autosomal Recessive, TCell -Negative, B Cell-Positive, NK Cell-Positive, IL7R-Related; Severe combined immunodeficiency, autosomal recessive, T cell-negative, B cell-positive, NK cell-positive; SCID, AUTOSOMAL RECESSIVE, T CELL-NEGATIVE, B CELL-POSITIVE, NK CELL-POSITIVE. Identifiers: MedGen C5676890, MONDO:0012163, OMIM 608971.

Submission:

Labcorp Genetics (formerly Invitae), Labcorp
Classification: Uncertain significance for Immunodeficiency 104. Last evaluated: 2024-02-17. Review status: criteria provided, single submitter. Criteria: Invitae Variant Classification Sherloc (09022015). Collection method: clinical testing. Allele origin: germline.
Comment: This sequence change replaces serine, which is neutral and polar, with threonine, which is neutral and polar, at codon 500 of the PTPRC protein (p.Ser500Thr). This variant is not present in population databases (gnomAD no frequency). This variant has not been reported in the literature in individuals affected with PTPRC-related conditions. Algorithms developed to predict the effect of missense changes on protein structure and function output the following: SIFT: "Not Available"; PolyPhen-2: "Benign"; Align-GVGD: "Not Available". The threonine amino acid residue is found in multiple mammalian species, which suggests that this missense change does not adversely affect protein function. In summary, the available evidence is currently insufficient to determine the role of this variant in disease. Therefore, it has been classified as a Variant of Uncertain Significance.

NM_002838.5(PTPRC):c.1499G>C (p.Ser500Thr)

Gene: PTPRC (protein tyrosine phosphatase receptor type C; plus strand). Cytogenetic location: 1q32.1.
Variant type: single nucleotide variant.
Coding change: c.1499G>C on transcript NM_002838.5 (MANE Select); coding-DNA position 1499, G replaced by C.
Protein change: p.Ser500Thr; replaces serine 500 with threonine.
Molecular consequence: missense variant.
Genome position (GRCh38, 1-based): chr1:198,718,142, G>C. VCF-style: chr1-198718142-G-C. GRCh37 (hg19) VCF-style: chr1-198687271-G-C.
Other names: c.1016G>C, p.Ser339Thr (NM_080921.4); short protein forms S339T, S500T.
Identifiers: ClinVar variation 3709338 (VCV003709338.2).